The following is an entry in ClinVar:

ClinVar aggregate classification (germline): Pathogenic (1 of 4 stars; one submission).

Conditions:
Birt-Hogg-Dube syndrome. Also called: Birt Hogg Dubé syndrome. Identifiers: Orphanet 122, MedGen C0346010, MONDO:0800444.

Submission:

Labcorp Genetics (formerly Invitae), Labcorp
Classification: Pathogenic for Birt-Hogg-Dube syndrome. Last evaluated: 2021-03-19. Review status: criteria provided, single submitter. Criteria: Invitae Variant Classification Sherloc (09022015). Collection method: clinical testing. Allele origin: germline.
Comment: For these reasons, this variant has been classified as Pathogenic. This variant is expected to disrupt the C-terminus of the FLCN protein, which contains the minimal binding domain for interaction with FNIP1/2 proteins (residues 517-579) (PMID: 17028174, 18403135). This domain has been shown to be important for AMPK-mediated mTOR signaling pathways (PMID: 17028174, 18403135, 18663353, 22977732). While functional studies have not been performed to directly test the effect of this variant on FLCN protein function, this suggests that disruption of this region of the protein may be causative of disease. Other variant(s) that disrupt this region (p.Arg527*, p.Gln533*) have been determined to be pathogenic (PMID: 15852235, 19802896, Invitae). A similar complex rearrangement has not been reported. However, deletion of exon 14 has been observed in individuals with clinical features of Birt-Hogg-Dub√© syndrome (PMID: 20413710, 24393238, 27229674). This variant is a complex rearrangement that results in the deletion of exon 14. Although the exact nature of the event is unclear, it also appears to involve a copy number gain of exon 11, which has been inverted and inserted in place of exon 14. The rearrangement is expected to create a truncated protein product or disrupt mRNA translation.

Literature cited by the submitters: PubMed 17028174; PubMed 18403135; PubMed 18663353; PubMed 22977732; PubMed 15852235; PubMed 19802896; PubMed 20413710; PubMed 24393238; PubMed 27229674.

NC_000017.10:g.(?_17116310)_(17117959_?)del

Gene: FLCN (folliculin; minus strand). Cytogenetic location: 17p11.2.
Variant type: Deletion.
Identifiers: ClinVar variation 1459539 (VCV001459539.9).